The following is an entry in ClinVar:

NM_001199799.2(ILDR1):c.234C>A (p.Tyr78Ter)

Gene: ILDR1 (immunoglobulin like domain containing receptor 1; minus strand). Cytogenetic location: 3q13.33.
Variant type: single nucleotide variant.
Coding change: c.234C>A on transcript NM_001199799.2 (MANE Select); coding-DNA position 234, C replaced by A.
Protein change: p.Tyr78Ter; replaces tyrosine 78 with a stop codon.
Molecular consequence: nonsense.
Genome position (GRCh38, 1-based): chr3:122,005,389, G>T on the plus strand (C>A on the coding strand, the complement: ILDR1 is on the minus strand). VCF-style: chr3-122005389-G-T. GRCh37 (hg19) VCF-style: chr3-121724236-G-T.
Other names: c.234C>A, p.Tyr78Ter (NM_001199800.2, NM_175924.4); short protein forms Y78*.
Identifiers: ClinVar variation 3364315 (VCV003364315.2).
Genomic context (GRCh38, chr3:122,005,389, plus strand): 5'-TTCCCGCTGGTTGTCGTTGCAGTCATTGGATGGGTCCTGGCCCAGGGATAAAGCTGCCTG[G>T]TATGCTGAGGAGAGAGGGCACACTAGAGTCACACAGCAATAGGGGGTTCCCACAAAAAAA-3'

ClinVar aggregate classification (germline): Likely pathogenic (1 of 4 stars; one submission).

gnomAD v4.1: 1 of 1,614,152 alleles (0.000062%); highest among the groups gnomAD compares: South Asian, 0.0011%; no homozygotes.

Submission:

GeneDx
Classification: Likely pathogenic. Last evaluated: 2026-08-19. Review status: criteria provided, single submitter. Criteria: GeneDx Variant Classification Process June 2021. Collection method: clinical testing. Allele origin: germline.
Comment: Identified in a patient with hearing loss in published literature (PMID: 29178603); Nonsense variant predicted to result in protein truncation or nonsense mediated decay in a gene for which loss of function is a known mechanism of disease; Not observed at significant frequency in large population cohorts (gnomAD); This variant is associated with the following publications: (PMID: 28900111, 29178603)